The following is an entry in ClinVar:

ClinVar aggregate classification (germline): Uncertain significance. Review status: criteria provided, multiple submitters, no conflicts (2 of 4 stars). 2 submissions from 2 submitters: Uncertain significance (2). Last evaluated 2024-05-28.

Conditions:
Imerslund-Grasbeck syndrome type 2. Also called: Megaloblastic anemia 1, Norwegian type; MEGALOBLASTIC ANEMIA, NORWEGIAN TYPE; Imerslund-Gräsbeck syndrome 2. Identifiers: MedGen C4016948, MONDO:0100157, OMIM 618882.
Imerslund-Grasbeck syndrome. Also called: ENTEROCYTE COBALAMIN MALABSORPTION; ENTEROCYTE INTRINSIC FACTOR RECEPTOR, DEFECT OF; Megaloblastic anemia due to inborn errors of metabolism; Imerslund-Gräsbeck syndrome; PERNICIOUS ANEMIA, JUVENILE, DUE TO SELECTIVE INTESTINAL MALABSORPTION OF VITAMIN B12, WITH PROTEINURIA. Identifiers: Orphanet 35858, MedGen C4551825, MONDO:0009853.

Allele frequency attached by ClinVar (database versions not stated): ExAC 0.00001; gnomAD 0.00001; TOPMed 0.00003.
gnomAD v4.1: 38 of 1,600,058 alleles (0.0024%); highest among the groups gnomAD compares: Non-Finnish European, 0.0032%; no homozygotes.

Submissions (2):

Fulgent Genetics
Classification: Uncertain significance for Imerslund-Grasbeck syndrome type 2. Last evaluated: 2024-05-28. Review status: criteria provided, single submitter. Criteria: ACMG Guidelines, 2015. Collection method: clinical testing. Allele origin: germline.

Labcorp Genetics (formerly Invitae), Labcorp
Classification: Uncertain significance for Imerslund-Grasbeck syndrome. Last evaluated: 2022-06-14. Review status: criteria provided, single submitter. Criteria: Invitae Variant Classification Sherloc (09022015). Collection method: clinical testing. Allele origin: germline.
Comment: This sequence change replaces valine, which is neutral and non-polar, with leucine, which is neutral and non-polar, at codon 161 of the AMN protein (p.Val161Leu). The frequency data for this variant in the population databases is considered unreliable, as metrics indicate poor data quality at this position in the gnomAD database. This variant has not been reported in the literature in individuals affected with AMN-related conditions. Algorithms developed to predict the effect of missense changes on protein structure and function (SIFT, PolyPhen-2, Align-GVGD) all suggest that this variant is likely to be tolerated. Algorithms developed to predict the effect of sequence changes on RNA splicing suggest that this variant may disrupt the consensus splice site. In summary, the available evidence is currently insufficient to determine the role of this variant in disease. Therefore, it has been classified as a Variant of Uncertain Significance.

NM_030943.4(AMN):c.481G>T (p.Val161Leu)

Gene: AMN (amnion associated transmembrane protein; plus strand). Cytogenetic location: 14q32.32.
Variant type: single nucleotide variant.
Coding change: c.481G>T on transcript NM_030943.4 (MANE Select); coding-DNA position 481, G replaced by T.
Protein change: p.Val161Leu; replaces valine 161 with leucine.
Molecular consequence: missense variant.
Genome position (GRCh38, 1-based): chr14:102,928,943, G>T. VCF-style: chr14-102928943-G-T. GRCh37 (hg19) VCF-style: chr14-103395280-G-T.
Other names: short protein forms V161L.
Identifiers: ClinVar variation 2161869 (VCV002161869.2), dbSNP rs746904737, ClinGen allele CA7359923.
Genomic context (GRCh38, chr14:102,928,943, plus strand): 5'-GACGTCTTCTTTCCGCCTAGTGCCTCCTTCCGCGTGGGGCTCGGCCCTGGCGCTAGCCCC[G>T]TGCGTGTCCGCAGCATCTCGGCTCTGGGCCGGGTGAGCACTGAGGGGAGGGAGGCTCGGG-3'
Protein context (NP_112205.2, residues 151-171): RVGLGPGASP[Val161Leu]RVRSISALGR